The following is an entry in ClinVar:

ClinVar aggregate classification (germline): Likely pathogenic (1 of 4 stars; one submission).

Conditions:
Primary ciliary dyskinesia 3. Identifiers: Orphanet 244, MedGen C1837618, MONDO:0012085, OMIM 608644.

Submission:

Myriad Genetics, Inc.
Classification: Likely pathogenic for Primary ciliary dyskinesia 3. Last evaluated: 2022-05-18. Review status: criteria provided, single submitter. Criteria: Myriad Women's Health Autosomal Recessive and X-Linked Classification Criteria (2021). Collection method: clinical testing. Allele origin: unknown.
Comment: NM_001369.2(DNAH5):c.4846dupT(S1616Ffs*42) is expected to be pathogenic in the context of DNAH5-related primary ciliary dyskinesia. This variant is predicted to lead to an abnormal or absent protein product due to the creation of a premature termination codon in DNAH5, a gene where loss-of-function variants are known to be pathogenic. Please note: this variant was assessed in the context of healthy population screening.

NM_001369.3(DNAH5):c.4846dup (p.Ser1616fs)

Genes: DNAH5 (dynein axonemal heavy chain 5; minus strand), LOC126807318 (MED14-independent group 3 enhancer GRCh37_chr5:13858976-13860175; plus strand). Cytogenetic location: 5p15.2.
Variant type: Duplication.
Coding change: c.4846dup on transcript NM_001369.3 (MANE Select); coding-DNA position 4846, one base duplicated (T; older notation c.4846dupT).
Protein change: p.Ser1616fs; shifts the reading frame from serine 1616.
Molecular consequence: frameshift variant.
Genome position (GRCh38, 1-based): chr5:13,859,556, A duplicated on the plus strand (T on the coding strand, the reverse complement: DNAH5 is on the minus strand); the first of 3 consecutive A bases (chr5:13,859,556-13,859,558); duplicating any one gives the same sequence. VCF-style (leftmost placement, unchanged base first): chr5-13859555-G-GA. GRCh37 (hg19) VCF-style: chr5-13859664-G-GA.
Other names: short protein forms S1616fs.
Identifiers: ClinVar variation 1726166 (VCV001726166.2), dbSNP rs2546965651, ClinGen allele CA2580072049.